The following is an entry in ClinVar:

NM_021020.5(LZTS1):c.1705C>T (p.Arg569Cys)

Gene: LZTS1 (leucine zipper tumor suppressor 1; minus strand). Cytogenetic location: 8p21.3.
Variant type: single nucleotide variant.
Coding change: c.1705C>T on transcript NM_021020.5 (MANE Select); coding-DNA position 1705, C replaced by T.
Protein change: p.Arg569Cys; replaces arginine 569 with cysteine.
Molecular consequence: missense variant.
Genome position (GRCh38, 1-based): chr8:20,249,808, G>A on the plus strand (C>T on the coding strand, the complement: LZTS1 is on the minus strand). VCF-style: chr8-20249808-G-A. GRCh37 (hg19) VCF-style: chr8-20107319-G-A.
Other names: c.1705C>T, p.Arg569Cys (NM_001362884.2); c.1705C>T (NM_021020.2); short protein forms R569C.
Identifiers: ClinVar variation 2724619 (VCV002724619.4), dbSNP rs376917114, ClinGen allele CA4657208.

ClinVar aggregate classification (germline): Uncertain significance. Review status: criteria provided, multiple submitters, no conflicts (2 of 4 stars). 2 submissions from 2 submitters: Uncertain significance (2). Last evaluated 2025-12-09.

Allele frequency attached by ClinVar (database versions not stated): TOPMed 0.00011; ESP Exome Variant Server 0.00008.

Submissions (2):

Ambry Genetics
Classification: Uncertain significance. Last evaluated: 2025-12-09. Review status: criteria provided, single submitter. Criteria: Ambry Variant Classification Scheme 2023. Collection method: clinical testing. Allele origin: germline.

Labcorp Genetics (formerly Invitae), Labcorp
Classification: Uncertain significance. Last evaluated: 2025-11-10. Review status: criteria provided, single submitter. Criteria: Invitae Variant Classification Sherloc (09022015). Collection method: clinical testing. Allele origin: germline.
Comment: This sequence change replaces arginine, which is basic and polar, with cysteine, which is neutral and slightly polar, at codon 569 of the LZTS1 protein (p.Arg569Cys). This variant is present in population databases (rs376917114, gnomAD 0.03%). This variant has not been reported in the literature in individuals affected with LZTS1-related conditions. ClinVar contains an entry for this variant (Variation ID: 2724619). Invitae Evidence Modeling of protein sequence and biophysical properties (such as structural, functional, and spatial information, amino acid conservation, physicochemical variation, residue mobility, and thermodynamic stability) indicates that this missense variant is not expected to disrupt LZTS1 protein function with a negative predictive value of 80%. In summary, the available evidence is currently insufficient to determine the role of this variant in disease. Therefore, it has been classified as a Variant of Uncertain Significance.